The following is an entry in ClinVar:

ClinVar aggregate classification (germline): Likely benign (1 of 4 stars; one submission).

Submission:

CeGaT Center for Human Genetics Tuebingen
Classification: Likely benign. Last evaluated: 2025-12-01. Review status: criteria provided, single submitter. Criteria: CeGaT Center For Human Genetics Tuebingen Variant Classification Criteria Version 2. Collection method: clinical testing. Allele origin: germline. Affected: yes. Observed: 1 variant allele.
Comment: TOR1A: PM2:Supporting, BP4, BP7

NM_000113.3(TOR1A):c.954C>T (p.Gly318=)

Gene: TOR1A (torsin family 1 member A; minus strand). Cytogenetic location: 9q34.11.
Variant type: single nucleotide variant.
Coding change: c.954C>T on transcript NM_000113.3 (MANE Select); coding-DNA position 954, C replaced by T.
Protein change: p.Gly318=; no amino-acid change (glycine 318 retained).
Molecular consequence: synonymous variant.
Genome position (GRCh38, 1-based): chr9:129,814,017, G>A on the plus strand (C>T on the coding strand, the complement: TOR1A is on the minus strand). VCF-style: chr9-129814017-G-A. GRCh37 (hg19) VCF-style: chr9-132576296-G-A.
Identifiers: ClinVar variation 4681317 (VCV004681317.5).